The following is an entry in ClinVar:

NC_000006.11:g.(?_107595213)_(107655556_?)del

Gene: PDSS2 (decaprenyl diphosphate synthase subunit 2; minus strand). Cytogenetic location: 6q21.
Variant type: Deletion.
Identifiers: ClinVar variation 1445624 (VCV001445624.4).

ClinVar aggregate classification (germline): Uncertain significance (1 of 4 stars; one submission).

Submission:

Labcorp Genetics (formerly Invitae), Labcorp
Classification: Uncertain significance. Last evaluated: 2021-07-16. Review status: criteria provided, single submitter. Criteria: Invitae Variant Classification Sherloc (09022015). Collection method: clinical testing. Allele origin: germline.
Comment: This variant has not been reported in the literature in individuals affected with PDSS2-related conditions. In summary, the available evidence is currently insufficient to determine the role of this variant in disease. Therefore, it has been classified as a Variant of Uncertain Significance. This variant is a gross deletion of the genomic region encompassing exon(s) 2-3 of the PDSS2 gene. This deletion is out-of-frame, and is expected to create a premature translational stop signal and result in an absent or disrupted protein product. However, the current clinical and genetic evidence is not sufficient to establish whether loss-of-function variants in PDSS2 cause disease.